The following is an entry in ClinVar:

NM_000053.4(ATP7B):c.3163A>T (p.Lys1055Ter)

Gene: ATP7B (ATPase copper transporting beta; minus strand). Cytogenetic location: 13q14.3.
Variant type: single nucleotide variant.
Coding change: c.3163A>T on transcript NM_000053.4 (MANE Select); coding-DNA position 3163, A replaced by T.
Protein change: p.Lys1055Ter; replaces lysine 1055 with a stop codon.
Molecular consequence: nonsense.
Genome position (GRCh38, 1-based): chr13:51,944,189, T>A on the plus strand (A>T on the coding strand, the complement: ATP7B is on the minus strand). VCF-style: chr13-51944189-T-A. GRCh37 (hg19) VCF-style: chr13-52518325-T-A.
Other names: c.2542A>T, p.Lys848Ter (NM_001005918.3); c.2830A>T, p.Lys944Ter (NM_001243182.2); c.2929A>T, p.Lys977Ter (NM_001330578.2); c.2911A>T, p.Lys971Ter (NM_001330579.2); short protein forms K1055*, K848*, K944*, K971*, K977*.
Identifiers: ClinVar variation 983750 (VCV000983750.3), dbSNP rs1957512345, ClinGen allele CA388030094.

ClinVar aggregate classification (germline): Likely pathogenic (1 of 4 stars; one submission).

Conditions:
Wilson disease (WND). Also called: Wilson's disease. Identifiers: Orphanet 905, MedGen C0019202, MONDO:0010200, OMIM 277900. Disease mechanism: loss of function.

Submission:

Myriad Genetics, Inc.
Classification: Likely pathogenic for Wilson disease. Last evaluated: 2019-09-13. Review status: criteria provided, single submitter. Criteria: Myriad Women's Health Autosomal Recessive and X-Linked Classification Criteria (2019). Collection method: clinical testing. Allele origin: unknown.
Comment: NM_000053.3(ATP7B):c.3163A>T(K1055*) is expected to be pathogenic in the context of Wilson disease. This variant is predicted to lead to an abnormal or absent protein product due to the creation of a premature termination codon in ATP7B, a gene where loss-of-function variants are known to be pathogenic. Please note: this variant was assessed in the context of healthy population screening.